The following is an entry in ClinVar:

NM_014516.4(CNOT3):c.656T>A (p.Phe219Tyr)

Gene: CNOT3 (CCR4-NOT transcription complex subunit 3; plus strand). Cytogenetic location: 19q13.42.
Variant type: single nucleotide variant.
Coding change: c.656T>A on transcript NM_014516.4 (MANE Select); coding-DNA position 656, T replaced by A.
Protein change: p.Phe219Tyr; replaces phenylalanine 219 with tyrosine.
Molecular consequence: missense variant. On other transcripts: non-coding transcript variant (2).
Genome position (GRCh38, 1-based): chr19:54,145,770, T>A. VCF-style: chr19-54145770-T-A. GRCh37 (hg19) VCF-style: chr19-54649506-T-A.
Other names: c.659T>A, p.Phe220Tyr (NM_001440653.1, NM_001440655.1, NM_001440657.1 and 3 more transcripts); c.656T>A, p.Phe219Tyr (NM_001440654.1, NM_001440656.1, NM_001440658.1 and 1 more transcripts); c.113T>A, p.Phe38Tyr (NM_001440659.1, NM_001440660.1); short protein forms F219Y, F220Y, F38Y.
Identifiers: ClinVar variation 4806878 (VCV004806878.1).

ClinVar aggregate classification (germline): Uncertain significance (1 of 4 stars; one submission).

gnomAD v4.1: 1 of 1,613,794 alleles (0.000062%); highest among the groups gnomAD compares: Non-Finnish European, 0.000085%; no homozygotes.

Submission:

Labcorp Genetics (formerly Invitae), Labcorp
Classification: Uncertain significance. Last evaluated: 2025-12-18. Review status: criteria provided, single submitter. Criteria: Invitae Variant Classification Sherloc (09022015). Collection method: clinical testing. Allele origin: germline.
Comment: This sequence change replaces phenylalanine, which is neutral and non-polar, with tyrosine, which is neutral and polar, at codon 219 of the CNOT3 protein (p.Phe219Tyr). This variant is not present in population databases (gnomAD no frequency). This variant has not been reported in the literature in individuals affected with CNOT3-related conditions. An algorithm developed to predict the effect of missense changes on protein structure and function (PolyPhen-2) suggests that this variant is likely to be tolerated. In summary, the available evidence is currently insufficient to determine the role of this variant in disease. Therefore, it has been classified as a Variant of Uncertain Significance.